The following is an entry in ClinVar:

ClinVar aggregate classification (germline): Likely benign. Review status: criteria provided, multiple submitters, no conflicts (2 of 4 stars). 4 submissions from 4 submitters: Likely benign (4). Last evaluated 2026-03-19.

Conditions:
AARS1-related disorder. Also called: AARS1-related condition.
Inborn genetic diseases. Identifiers: MedGen C0950123, MeSH D030342.
Charcot-Marie-Tooth disease type 2. Also called: Charcot-Marie-Tooth type 2. Identifiers: Orphanet 64746, MedGen C0270914, MONDO:0018993.

Allele frequency attached by ClinVar (database versions not stated): gnomAD exomes 0.00003 and 0.00004; ExAC 0.00007; gnomAD 0.00021 and 0.00024; ESP Exome Variant Server 0.00023; TOPMed 0.00030.
gnomAD v4.1: 75 of 1,614,166 alleles (0.0046%); highest among the groups gnomAD compares: African/African-American, 0.067%; 1 homozygote.

Submissions (4):

PreventionGenetics, part of Exact Sciences
Classification: Likely benign for AARS1-related condition. Last evaluated: 2026-03-19. Review status: criteria provided, single submitter. Criteria: ACMG Guidelines, 2015. Collection method: clinical testing. Allele origin: germline.
Comment: This variant is classified as likely benign based on ACMG/AMP sequence variant interpretation guidelines (Richards et al. 2015 PMID: 25741868, with internal and published modifications).

Labcorp Genetics (formerly Invitae), Labcorp
Classification: Likely benign for Charcot-Marie-Tooth disease type 2. Last evaluated: 2025-12-09. Review status: criteria provided, single submitter. Criteria: Invitae Variant Classification Sherloc (09022015). Collection method: clinical testing. Allele origin: germline.

CeGaT Center for Human Genetics Tuebingen
Classification: Likely benign. Last evaluated: 2021-06-01. Review status: criteria provided, single submitter. Criteria: CeGaT Center For Human Genetics Tuebingen Variant Classification Criteria Version 2. Collection method: clinical testing. Allele origin: germline. Affected: yes. Observed: 1 variant allele.

Ambry Genetics
Classification: Likely benign for Inborn genetic diseases. Last evaluated: 2019-07-11. Review status: criteria provided, single submitter. Criteria: Ambry Variant Classification Scheme 2023. Collection method: clinical testing. Allele origin: germline.

NM_001605.3(AARS1):c.1839C>T (p.Phe613=)

Gene: AARS1 (alanyl-tRNA synthetase 1; minus strand). Cytogenetic location: 16q22.1.
Variant type: single nucleotide variant.
Coding change: c.1839C>T on transcript NM_001605.3 (MANE Select); coding-DNA position 1839, C replaced by T.
Protein change: p.Phe613=; no amino-acid change (phenylalanine 613 retained).
Molecular consequence: synonymous variant.
Genome position (GRCh38, 1-based): chr16:70,259,133, G>A on the plus strand (C>T on the coding strand, the complement: AARS1 is on the minus strand). VCF-style: chr16-70259133-G-A. GRCh37 (hg19) VCF-style: chr16-70293036-G-A.
Identifiers: ClinVar variation 476735 (VCV000476735.47), dbSNP rs141374386, ClinGen allele CA8140649.